The following is an entry in ClinVar:

ClinVar aggregate classification (germline): Uncertain significance (1 of 4 stars; one submission).

Submission:

Labcorp Genetics (formerly Invitae), Labcorp
Classification: Uncertain significance. Last evaluated: 2025-03-30. Review status: criteria provided, single submitter. Criteria: Invitae Variant Classification Sherloc (09022015). Collection method: clinical testing. Allele origin: germline.
Comment: This sequence change replaces lysine, which is basic and polar, with asparagine, which is neutral and polar, at codon 1321 of the TET2 protein (p.Lys1321Asn). The frequency data for this variant in the population databases is considered unreliable, as metrics indicate poor data quality at this position in the gnomAD database. This variant has not been reported in the literature in individuals affected with TET2-related conditions. ClinVar contains an entry for this variant (Variation ID: 1922726). An algorithm developed to predict the effect of missense changes on protein structure and function (PolyPhen-2) suggests that this variant is likely to be disruptive. In summary, the available evidence is currently insufficient to determine the role of this variant in disease. Therefore, it has been classified as a Variant of Uncertain Significance.

NM_001127208.3(TET2):c.3963A>C (p.Lys1321Asn)

Genes: TET2-AS1 (TET2 antisense RNA 1; minus strand), TET2 (tet methylcytosine dioxygenase 2; plus strand). Cytogenetic location: 4q24.
Variant type: single nucleotide variant.
Coding change: c.3963A>C on transcript NM_001127208.3 (MANE Select); coding-DNA position 3963, A replaced by C.
Protein change: p.Lys1321Asn; replaces lysine 1321 with asparagine.
Molecular consequence: missense variant.
Genome position (GRCh38, 1-based): chr4:105,261,767, A>C. VCF-style: chr4-105261767-A-C. GRCh37 (hg19) VCF-style: chr4-106182924-A-C.
Other names: short protein forms K1321N.
Identifiers: ClinVar variation 1922726 (VCV001922726.5), dbSNP rs1313045419, ClinGen allele CA357807730.